The following is an entry in ClinVar:

NM_000059.4(BRCA2):c.7226del (p.Pro2409fs)

Gene: BRCA2 (BRCA2 DNA repair associated; plus strand). Cytogenetic location: 13q13.1.
Variant type: Deletion.
Coding change: c.7226del on transcript NM_000059.4 (MANE Select); coding-DNA position 7226, one base deleted (C; older notation c.7226delC).
Protein change: p.Pro2409fs; shifts the reading frame from proline 2409.
Molecular consequence: frameshift variant.
Genome position (GRCh38, 1-based): chr13:32,355,079, C deleted; the last of 2 consecutive C bases (chr13:32,355,078-32,355,079); deleting either gives the same sequence. VCF-style (leftmost placement, unchanged base first): chr13-32355077-AC-A. GRCh37 (hg19) VCF-style: chr13-32929214-AC-A.
Other names: 7454delC; c.7226delC (NM_000059.3).
Identifiers: ClinVar variation 52293 (VCV000052293.3), dbSNP rs80359643, ClinGen allele CA024977.

ClinVar aggregate classification (germline): Pathogenic. Review status: reviewed by expert panel (3 of 4 stars). 3 submissions from 3 submitters: Pathogenic (1). 2 of the submissions do not count toward it. Last evaluated 2016-09-08.

Conditions:
Breast-ovarian cancer, familial, susceptibility to, 2 (BROVCA2). Also called: BRCA2 Hereditary Breast and Ovarian Cancer. Identifiers: Orphanet 145, MedGen C2675520, MONDO:0012933, OMIM 612555. Disease mechanism: loss of function.

Submissions (3):

Evidence-based Network for the Interpretation of Germline Mutant Alleles (ENIGMA)
Classification: Pathogenic for Breast-ovarian cancer, familial, susceptibility to, 2. Last evaluated: 2016-09-08. Review status: reviewed by expert panel. Criteria: ENIGMA BRCA1/2 Classification Criteria (2015). Collection method: curation. Allele origin: germline.
Comment: Variant allele predicted to encode a truncated non-functional protein.

Consortium of Investigators of Modifiers of BRCA1/2 (CIMBA), c/o University of Cambridge
Classification: Pathogenic for Breast-ovarian cancer, familial, susceptibility to, 2. Last evaluated: 2015-10-02. Review status: criteria provided, single submitter. Criteria: CIMBA Mutation Classification guidelines May 2016. Collection method: clinical testing. Allele origin: germline. Not counted in ClinVar's aggregate classification.

Breast Cancer Information Core (BIC) (BRCA2)
Classification: Pathogenic for Breast-ovarian cancer, familial 2. Last evaluated: 2002-05-29. Review status: no assertion criteria provided. Collection method: clinical testing. Allele origin: germline. Affected: yes. Observed: 2 variant alleles. Not counted in ClinVar's aggregate classification.